The following is an entry in ClinVar:

NM_000038.6(APC):c.934-123T>G

Gene: APC (APC regulator of WNT signaling pathway; plus strand). Cytogenetic location: 5q22.2.
Variant type: single nucleotide variant.
Coding change: c.934-123T>G on transcript NM_000038.6 (MANE Select); 123 bases into the intron before coding-DNA position 934, T replaced by G.
Molecular consequence: intron variant.
Genome position (GRCh38, 1-based): chr5:112,818,843, T>G. VCF-style: chr5-112818843-T-G. GRCh37 (hg19) VCF-style: chr5-112154540-T-G.
Other names: c.934-123T>G (NM_001354895.2, NM_001127510.3, NM_001354896.2); c.964-123T>G (NM_001354897.2); c.964-426T>G (NM_001354902.2); c.880-123T>G (NM_001127511.3); c.859-123T>G (NM_001354898.2); c.859-426T>G (NM_001354904.2); c.85-123T>G (NM_001354906.2); c.934-426T>G (NM_001354903.2); and 3 more.
Identifiers: ClinVar variation 82565 (VCV000082565.2), dbSNP rs79163044, ClinGen allele CA015859.

ClinVar aggregate classification (germline): other (0 of 4 stars; one submission).

Conditions:
Familial colorectal cancer. Identifiers: MedGen CN280943, MONDO:0023113. Disease mechanism: loss of function.

gnomAD v4.1: 1 of 910,654 alleles (0.00011%); highest among the groups gnomAD compares: Non-Finnish European, 0.00016%; no homozygotes.

Submission:

Systems Biology Platform Zhejiang California International NanoSystems Institute
Classification: other for Familial colorectal cancer. Review status: no assertion criteria provided. Collection method: not provided. Allele origin: unknown.
ClinVar note: Converted during submission from cancer to other.